The following is an entry in ClinVar:

ClinVar aggregate classification (germline): Conflicting classifications of pathogenicity. Review status: criteria provided, conflicting classifications (1 of 4 stars). 4 submissions from 4 submitters: Uncertain significance (2); Likely benign (1). 1 of the submissions does not count toward it. Last evaluated 2023-01-25.

Conditions:
Inborn genetic diseases. Identifiers: MedGen C0950123, MeSH D030342.
Retinitis pigmentosa 25 (RP25). Identifiers: Orphanet 791, MedGen C1864446, MONDO:0011272, OMIM 602772.

Allele frequency attached by ClinVar (database versions not stated): gnomAD 0.00003 and 0.00004; gnomAD exomes 0.00004 and 0.00007; ExAC 0.00005; TOPMed 0.00005; ESP Exome Variant Server 0.00022.
gnomAD v4.1: 115 of 1,550,970 alleles (0.0074%); highest among the groups gnomAD compares: Non-Finnish European, 0.0089%; no homozygotes.

Submissions (4):

Ambry Genetics
Classification: Likely benign for Inborn genetic diseases. Last evaluated: 2023-01-25. Review status: criteria provided, single submitter. Criteria: Ambry Variant Classification Scheme 2023. Collection method: clinical testing. Allele origin: germline.

Labcorp Genetics (formerly Invitae), Labcorp
Classification: Uncertain significance. Last evaluated: 2022-07-21. Review status: criteria provided, single submitter. Criteria: Invitae Variant Classification Sherloc (09022015). Collection method: clinical testing. Allele origin: germline.
Comment: This sequence change replaces alanine, which is neutral and non-polar, with valine, which is neutral and non-polar, at codon 2736 of the EYS protein (p.Ala2736Val). This variant is present in population databases (rs374200609, gnomAD 0.01%). This variant has not been reported in the literature in individuals affected with EYS-related conditions. ClinVar contains an entry for this variant (Variation ID: 855995). Algorithms developed to predict the effect of missense changes on protein structure and function output the following: SIFT: "Tolerated"; PolyPhen-2: "Benign"; Align-GVGD: "Class C0". The valine amino acid residue is found in multiple mammalian species, which suggests that this missense change does not adversely affect protein function. Algorithms developed to predict the effect of sequence changes on RNA splicing suggest that this variant may disrupt the consensus splice site. In summary, the available evidence is currently insufficient to determine the role of this variant in disease. Therefore, it has been classified as a Variant of Uncertain Significance.

Fulgent Genetics
Classification: Uncertain significance for Retinitis pigmentosa 25. Last evaluated: 2021-08-03. Review status: criteria provided, single submitter. Criteria: ACMG Guidelines, 2015. Collection method: clinical testing. Allele origin: unknown.

Natera, Inc.
Classification: Uncertain significance for Retinitis pigmentosa type 25. Last evaluated: 2021-02-03. Review status: no assertion criteria provided. Collection method: clinical testing. Allele origin: germline. Not counted in ClinVar's aggregate classification.

NM_001142800.2(EYS):c.8207C>T (p.Ala2736Val)

Gene: EYS (eyes shut homolog; minus strand). Cytogenetic location: 6q12.
Variant type: single nucleotide variant.
Coding change: c.8207C>T on transcript NM_001142800.2 (MANE Select); coding-DNA position 8207, C replaced by T.
Protein change: p.Ala2736Val; replaces alanine 2736 with valine.
Molecular consequence: missense variant.
Genome position (GRCh38, 1-based): chr6:63,726,545, G>A on the plus strand (C>T on the coding strand, the complement: EYS is on the minus strand). VCF-style: chr6-63726545-G-A. GRCh37 (hg19) VCF-style: chr6-64436438-G-A.
Other names: c.8270C>T, p.Ala2757Val (NM_001292009.2); short protein forms A2736V, A2757V.
Identifiers: ClinVar variation 855995 (VCV000855995.6), dbSNP rs374200609, ClinGen allele CA3876722.